The following is an entry in ClinVar:

NM_000824.5(GLRB):c.974A>G (p.Tyr325Cys)

Gene: GLRB (glycine receptor beta; plus strand). Cytogenetic location: 4q32.1.
Variant type: single nucleotide variant.
Coding change: c.974A>G on transcript NM_000824.5 (MANE Select); coding-DNA position 974, A replaced by G.
Protein change: p.Tyr325Cys; replaces tyrosine 325 with cysteine.
Molecular consequence: missense variant. On other transcripts: intron variant (1).
Genome position (GRCh38, 1-based): chr4:157,152,787, A>G. VCF-style: chr4-157152787-A-G. GRCh37 (hg19) VCF-style: chr4-158073939-A-G.
Other names: c.974A>G, p.Tyr325Cys (NM_001166060.2); c.904+8828A>G (NM_001166061.2); short protein forms Y325C.
Identifiers: ClinVar variation 2166416 (VCV002166416.2), dbSNP rs1737073827, ClinGen allele CA358644344.

ClinVar aggregate classification (germline): Uncertain significance (1 of 4 stars; one submission).

Conditions:
Hyperekplexia 2 (HKPX2). Identifiers: Orphanet 3197, MedGen C3553291, MONDO:0013828, OMIM 614619.

Allele frequency attached by ClinVar (database versions not stated): gnomAD 0.00001.
gnomAD v4.1: 3 of 1,613,446 alleles (0.00019%); highest among the groups gnomAD compares: African/African-American, 0.0013%; no homozygotes.

Submission:

Labcorp Genetics (formerly Invitae), Labcorp
Classification: Uncertain significance for Hyperekplexia 2. Last evaluated: 2023-11-27. Review status: criteria provided, single submitter. Criteria: Invitae Variant Classification Sherloc (09022015). Collection method: clinical testing. Allele origin: germline.
Comment: This sequence change replaces tyrosine, which is neutral and polar, with cysteine, which is neutral and slightly polar, at codon 325 of the GLRB protein (p.Tyr325Cys). This variant is not present in population databases (gnomAD no frequency). This variant has not been reported in the literature in individuals affected with GLRB-related conditions. ClinVar contains an entry for this variant (Variation ID: 2166416). Advanced modeling of protein sequence and biophysical properties (such as structural, functional, and spatial information, amino acid conservation, physicochemical variation, residue mobility, and thermodynamic stability) performed at Invitae indicates that this missense variant is expected to disrupt GLRB protein function with a positive predictive value of 80%. In summary, the available evidence is currently insufficient to determine the role of this variant in disease. Therefore, it has been classified as a Variant of Uncertain Significance.